The following is an entry in ClinVar:

NM_138386.3(NAF1):c.86C>T (p.Ala29Val)

Gene: NAF1 (nuclear assembly factor 1 ribonucleoprotein; minus strand). Cytogenetic location: 4q32.2.
Variant type: single nucleotide variant.
Coding change: c.86C>T on transcript NM_138386.3 (MANE Select); coding-DNA position 86, C replaced by T.
Protein change: p.Ala29Val; replaces alanine 29 with valine.
Molecular consequence: missense variant.
Genome position (GRCh38, 1-based): chr4:163,166,642, G>A on the plus strand (C>T on the coding strand, the complement: NAF1 is on the minus strand). VCF-style: chr4-163166642-G-A. GRCh37 (hg19) VCF-style: chr4-164087794-G-A.
Other names: c.86C>T, p.Ala29Val (NM_001128931.2); short protein forms A29V.
Identifiers: ClinVar variation 2711832 (VCV002711832.3), dbSNP rs760281447, ClinGen allele CA3126486.

ClinVar aggregate classification (germline): Uncertain significance (1 of 4 stars; one submission).

Allele frequency attached by ClinVar (database versions not stated): ExAC 0.00001; gnomAD 0.00001; TOPMed 0.00004; gnomAD exomes 0.00005.
gnomAD v4.1: 72 of 1,612,732 alleles (0.0045%); highest among the groups gnomAD compares: Non-Finnish European, 0.006%; no homozygotes.

Submission:

Labcorp Genetics (formerly Invitae), Labcorp
Classification: Uncertain significance. Last evaluated: 2025-11-11. Review status: criteria provided, single submitter. Criteria: Invitae Variant Classification Sherloc (09022015). Collection method: clinical testing. Allele origin: germline.
Comment: This sequence change replaces alanine, which is neutral and non-polar, with valine, which is neutral and non-polar, at codon 29 of the NAF1 protein (p.Ala29Val). This variant is present in population databases (rs760281447, gnomAD 0.003%). This variant has not been reported in the literature in individuals affected with NAF1-related conditions. ClinVar contains an entry for this variant (Variation ID: 2711832). An algorithm developed to predict the effect of missense changes on protein structure and function outputs the following: PolyPhen-2: "Benign". The valine amino acid residue is found in multiple mammalian species, which suggests that this missense change does not adversely affect protein function. In summary, the available evidence is currently insufficient to determine the role of this variant in disease. Therefore, it has been classified as a Variant of Uncertain Significance.